The following is an entry in ClinVar:

NM_012393.3(PFAS):c.792C>G (p.Asn264Lys)

Gene: PFAS (phosphoribosylformylglycinamidine synthase; plus strand). Cytogenetic location: 17p13.1.
Variant type: single nucleotide variant.
Coding change: c.792C>G on transcript NM_012393.3 (MANE Select); coding-DNA position 792, C replaced by G.
Protein change: p.Asn264Lys; replaces asparagine 264 with lysine.
Molecular consequence: missense variant.
Genome position (GRCh38, 1-based): chr17:8,256,378, C>G. VCF-style: chr17-8256378-C-G. GRCh37 (hg19) VCF-style: chr17-8159696-C-G.
Other names: short protein forms N264K.
Identifiers: ClinVar variation 3770161 (VCV003770161.1).
Genomic context (GRCh38, chr17:8,256,378, plus strand): 5'-GAAGCTGGTGCACTCACTGTTTGAGTCCATCATGAGCACCCAGGAATCCTCGAACCCCAA[C>G]AACGTCCTCAAATTCTGTGATAACAGCAGGTGCTGTGCCCTAGACTGGGTTGGCGTCAGG-3'
Protein context (NP_036525.1, residues 254-274): IMSTQESSNP[Asn264Lys]NVLKFCDNSS

ClinVar aggregate classification (germline): Likely pathogenic (1 of 4 stars; one submission).

Conditions:
Phosphoribosylformylglycineamidine synthase deficiency.

Submission:

Research Unit for Rare Diseases, 1st Faculty of Medicine, Charles University in Prague
Classification: Likely pathogenic for Phosphoribosylformylglycineamidine synthase deficiency. Last evaluated: 2025-02-05. Review status: criteria provided, single submitter. Criteria: ACMG Guidelines, 2015. Collection method: clinical testing, research. Allele origin: inherited, not applicable. Inheritance: Autosomal recessive inheritance. Affected: yes. Observed: 1 homozygote. Functional consequence: effect on protein stability.
Comment: This variant has not been reported in gnomAD v2.1.1 and has been evaluated as likely pathogenic according to the ACMG guidelines (PS3, PM3, PM2).

Literature cited by the submitters: PubMed 40421664.